The following is an entry in ClinVar:

ClinVar aggregate classification (germline): Uncertain significance (1 of 4 stars; one submission).

Allele frequency attached by ClinVar (database versions not stated): TOPMed below 0.00001; gnomAD exomes 0.00001.
gnomAD v4.1: 12 of 1,613,872 alleles (0.00074%); highest among the groups gnomAD compares: East Asian, 0.0022%; no homozygotes.

Submission:

Labcorp Genetics (formerly Invitae), Labcorp
Classification: Uncertain significance. Last evaluated: 2022-07-19. Review status: criteria provided, single submitter. Criteria: Invitae Variant Classification Sherloc (09022015). Collection method: clinical testing. Allele origin: germline.
Comment: This variant has not been reported in the literature in individuals affected with PISD-related conditions. This sequence change replaces arginine, which is basic and polar, with histidine, which is basic and polar, at codon 171 of the PISD protein (p.Arg171His). This variant is present in population databases (no rsID available, gnomAD 0.006%). ClinVar contains an entry for this variant (Variation ID: 1353266). Algorithms developed to predict the effect of missense changes on protein structure and function are either unavailable or do not agree on the potential impact of this missense change (SIFT: "Not Available"; PolyPhen-2: "Probably Damaging"; Align-GVGD: "Not Available"). In summary, the available evidence is currently insufficient to determine the role of this variant in disease. Therefore, it has been classified as a Variant of Uncertain Significance.

NM_001326411.2(PISD):c.512G>A (p.Arg171His)

Gene: PISD (phosphatidylserine decarboxylase; minus strand). Cytogenetic location: 22q12.2.
Variant type: single nucleotide variant.
Coding change: c.512G>A on transcript NM_001326411.2 (MANE Select); coding-DNA position 512, G replaced by A.
Protein change: p.Arg171His; replaces arginine 171 with histidine.
Molecular consequence: missense variant.
Genome position (GRCh38, 1-based): chr22:31,621,695, C>T on the plus strand (G>A on the coding strand, the complement: PISD is on the minus strand). VCF-style: chr22-31621695-C-T. GRCh37 (hg19) VCF-style: chr22-32017681-C-T.
Other names: c.449G>A, p.Arg150His (NM_001326412.1, NM_001326413.2, NM_001326414.2); c.410G>A, p.Arg137His (NM_001326415.2, NM_001326416.2, NM_001326417.2 and 3 more transcripts); c.332G>A, p.Arg111His (NM_001326418.2, NM_001326420.2); c.512G>A, p.Arg171His (NM_001326421.1); short protein forms R111H, R150H, R137H, R171H.
Identifiers: ClinVar variation 1353266 (VCV001353266.6), dbSNP rs1450832755, ClinGen allele CA411288363.